The following is an entry in ClinVar:

NM_007265.3(ECD):c.780A>G (p.Thr260=)

Gene: ECD (ecdysoneless cell cycle regulator; minus strand). Cytogenetic location: 10q22.2.
Variant type: single nucleotide variant.
Coding change: c.780A>G on transcript NM_007265.3 (MANE Select); coding-DNA position 780, A replaced by G.
Protein change: p.Thr260=; no amino-acid change (threonine 260 retained).
Molecular consequence: synonymous variant.
Genome position (GRCh38, 1-based): chr10:73,154,259, T>C on the plus strand (A>G on the coding strand, the complement: ECD is on the minus strand). VCF-style: chr10-73154259-T-C. GRCh37 (hg19) VCF-style: chr10-74914017-T-C.
Other names: c.780A>G, p.Thr260= (NM_001135752.1, NM_001135753.1).
Identifiers: ClinVar variation 2640581 (VCV002640581.24), dbSNP rs150282030, ClinGen allele CA5552567.

ClinVar aggregate classification (germline): Likely benign (1 of 4 stars; one submission).

Allele frequency attached by ClinVar (database versions not stated): gnomAD exomes below 0.00001; ExAC 0.00003; gnomAD 0.00003; ESP Exome Variant Server 0.00023.

Submission:

CeGaT Center for Human Genetics Tuebingen
Classification: Likely benign. Last evaluated: 2022-09-01. Review status: criteria provided, single submitter. Criteria: CeGaT Center For Human Genetics Tuebingen Variant Classification Criteria Version 2. Collection method: clinical testing. Allele origin: germline. Affected: yes. Observed: 1 variant allele.
Comment: ECD: BP4, BP7